The following is an entry in ClinVar:

NM_016341.4(PLCE1):c.3281G>C (p.Gly1094Ala)

Gene: PLCE1 (phospholipase C epsilon 1; plus strand). Cytogenetic location: 10q23.33.
Variant type: single nucleotide variant.
Coding change: c.3281G>C on transcript NM_016341.4 (MANE Select); coding-DNA position 3281, G replaced by C.
Protein change: p.Gly1094Ala; replaces glycine 1094 with alanine.
Molecular consequence: missense variant.
Genome position (GRCh38, 1-based): chr10:94,254,191, G>C. VCF-style: chr10-94254191-G-C. GRCh37 (hg19) VCF-style: chr10-96013948-G-C.
Other names: c.2357G>C, p.Gly786Ala (NM_001165979.2); c.3281G>C, p.Gly1094Ala (NM_001288989.2); short protein forms G1094A, G786A.
Identifiers: ClinVar variation 301714 (VCV000301714.11), dbSNP rs61732523, ClinGen allele CA5612837.

ClinVar aggregate classification (germline): Uncertain significance. Review status: criteria provided, multiple submitters, no conflicts (2 of 4 stars). 4 submissions from 4 submitters: Uncertain significance (4). Last evaluated 2024-04-05.

Conditions:
Nephrotic syndrome, type 3 (NPHS3). Also called: NEPHROTIC SYNDROME, EARLY-ONSET, TYPE 3. Identifiers: Orphanet 656, MedGen C1853124, MONDO:0012546, OMIM 610725.

Allele frequency attached by ClinVar (database versions not stated): TOPMed 0.00010.
gnomAD v4.1: 186 of 1,608,288 alleles (0.012%); highest among the groups gnomAD compares: Middle Eastern, 0.13%; no homozygotes.

Submissions (4):

Fulgent Genetics
Classification: Uncertain significance for Nephrotic syndrome, type 3. Last evaluated: 2024-04-05. Review status: criteria provided, single submitter. Criteria: ACMG Guidelines, 2015. Collection method: clinical testing. Allele origin: germline.

Labcorp Genetics (formerly Invitae), Labcorp
Classification: Uncertain significance. Last evaluated: 2022-10-17. Review status: criteria provided, single submitter. Criteria: Invitae Variant Classification Sherloc (09022015). Collection method: clinical testing. Allele origin: germline.
Comment: This sequence change replaces glycine, which is neutral and non-polar, with alanine, which is neutral and non-polar, at codon 1094 of the PLCE1 protein (p.Gly1094Ala). This variant is present in population databases (rs61732523, gnomAD 0.03%). This variant has not been reported in the literature in individuals affected with PLCE1-related conditions. ClinVar contains an entry for this variant (Variation ID: 301714). Algorithms developed to predict the effect of missense changes on protein structure and function are either unavailable or do not agree on the potential impact of this missense change (SIFT: "Tolerated"; PolyPhen-2: "Probably Damaging"; Align-GVGD: "Class C0"). In summary, the available evidence is currently insufficient to determine the role of this variant in disease. Therefore, it has been classified as a Variant of Uncertain Significance.

GeneDx
Classification: Uncertain significance. Last evaluated: 2021-06-28. Review status: criteria provided, single submitter. Criteria: GeneDx Variant Classification Process June 2021. Collection method: clinical testing. Allele origin: germline. Affected: yes.
Comment: In silico analysis, which includes protein predictors and evolutionary conservation, supports a deleterious effect; Has not been previously published as pathogenic or benign to our knowledge; This variant is associated with the following publications: (PMID: 27535533)

Illumina Laboratory Services, Illumina
Classification: Uncertain significance for Nephrotic syndrome, type 3. Last evaluated: 2018-01-13. Review status: criteria provided, single submitter. Criteria: ICSL Variant Classification Criteria 13 December 2019. Collection method: clinical testing. Allele origin: germline.